The following is an entry in ClinVar:

ClinVar aggregate classification (germline): Benign/Likely benign. Review status: criteria provided, multiple submitters, no conflicts (2 of 4 stars). 9 submissions from 9 submitters: Benign (5); Likely benign (1). 3 of the submissions do not count toward it. Last evaluated 2026-01-24.

Conditions:
FG syndrome 1 (OKS). Also called: OPITZ-KAVEGGIA SYNDROME; KELLER SYNDROME; MENTAL RETARDATION, LARGE HEAD, IMPERFORATE ANUS, CONGENITAL HYPOTONIA, AND PARTIAL AGENESIS OF CORPUS CALLOSUM; FG Syndrome Type 1 (FGS1). Identifiers: Orphanet 93932, MedGen C5399762, MONDO:0010590, OMIM 305450.
Cholestasis-pigmentary retinopathy-cleft palate syndrome (HDKR). Also called: Hardikar Syndrome (HS). Identifiers: Orphanet 1415, MedGen C0795969, MeSH C535632, MONDO:0012997, OMIM 301068.
Blepharophimosis - intellectual disability syndrome, MKB type. Also called: Ohdo syndrome, X-linked; X-Linked Ohdo Syndrome (XLOS); BLEPHAROPHIMOSIS-MENTAL RETARDATION SYNDROME, MAAT-KIEVIT-BRUNNER TYPE. Identifiers: Orphanet 293707, MedGen C3698541, MONDO:0010477, OMIM 300895.
X-linked intellectual disability with marfanoid habitus. Also called: Lujan Syndrome (LS); Lujan Syndrome; INTELLECTUAL DEVELOPMENTAL DISORDER, X-LINKED, SYNDROMIC, LUJAN-FRYNS TYPE; X-linked mental retardation with marfanoid habitus syndrome. Identifiers: Orphanet 776, MedGen C0796022, MONDO:0010655, OMIM 309520.
FG syndrome (FGS). Identifiers: MedGen C0220769, MONDO:0002010.
MED12-Related Disorders. Also called: MED12-related condition; MED12-related disorder. Identifiers: MedGen CN381102.
Familial thoracic aortic aneurysm and aortic dissection (TAAD). Also called: Thoracic aortic aneurysms and dissections. Identifiers: Orphanet 91387, MedGen C4707243, MONDO:0019625.

Allele frequency attached by ClinVar (database versions not stated): gnomAD exomes 0.00057 and 0.00021; TOPMed 0.00198; 1000 Genomes Project 30x 0.00250; 1000 Genomes Project 0.00238; ExAC 0.00078; gnomAD 0.00216 and 0.00225; ESP Exome Variant Server 0.00313.
gnomAD v4.1: 485 of 1,209,666 alleles (0.04%); highest among the groups gnomAD compares: African/African-American, 0.79%; 3 homozygotes.

Submissions (9):

Labcorp Genetics (formerly Invitae), Labcorp
Classification: Benign for FG syndrome. Last evaluated: 2026-01-24. Review status: criteria provided, single submitter. Criteria: Invitae Variant Classification Sherloc (09022015). Collection method: clinical testing. Allele origin: germline.

Blueprint Genetics
Classification: Benign. Last evaluated: 2024-08-12. Review status: criteria provided, single submitter. Criteria: ACMG Guidelines, 2015. Collection method: clinical testing. Allele origin: germline.

Fulgent Genetics
Classification: Likely benign for Blepharophimosis - intellectual disability syndrome, MKB type; Cholestasis-pigmentary retinopathy-cleft palate syndrome; FG syndrome 1; X-linked intellectual disability with marfanoid habitus. Last evaluated: 2022-01-21. Review status: criteria provided, single submitter. Criteria: ACMG Guidelines, 2015. Collection method: clinical testing. Allele origin: unknown.

Eurofins Ntd Llc (ga)
Classification: Benign. Last evaluated: 2017-10-27. Review status: criteria provided, single submitter. Criteria: EGL Classification Definitions 2015. Collection method: clinical testing. Allele origin: germline. Observed: 1 variant allele, 1 heterozygote.

Ambry Genetics
Classification: Benign for Familial thoracic aortic aneurysm and aortic dissection. Last evaluated: 2017-01-23. Review status: criteria provided, single submitter. Criteria: Ambry Variant Classification Scheme 2023. Collection method: clinical testing. Allele origin: germline.

GeneDx
Classification: Benign. Last evaluated: 2016-06-26. Review status: criteria provided, single submitter. Criteria: GeneDx Variant Classification (06012015). Collection method: clinical testing. Allele origin: germline. Affected: yes.
Comment: This variant is considered likely benign or benign based on one or more of the following criteria: it is a conservative change, it occurs at a poorly conserved position in the protein, it is predicted to be benign by multiple in silico algorithms, and/or has population frequency not consistent with disease.

PreventionGenetics, part of Exact Sciences
Classification: Benign for MED12-related condition. Last evaluated: 2019-12-23. Review status: no assertion criteria provided. Collection method: clinical testing. Allele origin: germline. Not counted in ClinVar's aggregate classification.
Comment: This variant is classified as benign based on ACMG/AMP sequence variant interpretation guidelines (Richards et al. 2015 PMID: 25741868, with internal and published modifications).

Clinical Genetics DNA and cytogenetics Diagnostics Lab, Erasmus MC, Erasmus Medical Center
Classification: Likely benign. Review status: no assertion criteria provided. Collection method: clinical testing. Allele origin: germline. Affected: yes. Study: VKGL Data-share Consensus. Not counted in ClinVar's aggregate classification.

Genome Diagnostics Laboratory, University Medical Center Utrecht
Classification: Likely benign. Review status: no assertion criteria provided. Collection method: clinical testing. Allele origin: germline. Affected: yes. Study: VKGL Data-share Consensus. Not counted in ClinVar's aggregate classification.

NM_005120.3(MED12):c.384A>G (p.Gln128=)

Gene: MED12 (mediator complex subunit 12; plus strand). Cytogenetic location: Xq13.1.
Variant type: single nucleotide variant.
Coding change: c.384A>G on transcript NM_005120.3 (MANE Select); coding-DNA position 384, A replaced by G.
Protein change: p.Gln128=; no amino-acid change (glutamine 128 retained).
Molecular consequence: synonymous variant.
Genome position (GRCh38, 1-based): chrX:71,119,865, A>G. VCF-style: chrX-71119865-A-G. GRCh37 (hg19) VCF-style: chrX-70339715-A-G.
Identifiers: ClinVar variation 378127 (VCV000378127.25), dbSNP rs201566660, ClinGen allele CA10444028.